The following is an entry in ClinVar:

ClinVar aggregate classification (germline): Uncertain significance. Review status: criteria provided, multiple submitters, no conflicts (2 of 4 stars). 2 submissions from 2 submitters: Uncertain significance (2). Last evaluated 2024-08-28.

Conditions:
Inborn genetic diseases. Identifiers: MedGen C0950123, MeSH D030342.

Allele frequency attached by ClinVar (database versions not stated): TOPMed below 0.00001; gnomAD exomes 0.00001.
gnomAD v4.1: 13 of 1,610,782 alleles (0.00081%); highest among the groups gnomAD compares: Middle Eastern, 0.017%; no homozygotes.

Submissions (2):

Ambry Genetics
Classification: Uncertain significance for Inborn genetic diseases. Last evaluated: 2024-08-28. Review status: criteria provided, single submitter. Criteria: Ambry Variant Classification Scheme 2023. Collection method: clinical testing. Allele origin: germline.

Labcorp Genetics (formerly Invitae), Labcorp
Classification: Uncertain significance. Last evaluated: 2023-08-10. Review status: criteria provided, single submitter. Criteria: Invitae Variant Classification Sherloc (09022015). Collection method: clinical testing. Allele origin: germline.
Comment: In summary, the available evidence is currently insufficient to determine the role of this variant in disease. Therefore, it has been classified as a Variant of Uncertain Significance. Advanced modeling of protein sequence and biophysical properties (such as structural, functional, and spatial information, amino acid conservation, physicochemical variation, residue mobility, and thermodynamic stability) performed at Invitae indicates that this missense variant is not expected to disrupt DCHS1 protein function. ClinVar contains an entry for this variant (Variation ID: 1979085). This variant has not been reported in the literature in individuals affected with DCHS1-related conditions. This variant is present in population databases (no rsID available, gnomAD 0.006%). This sequence change replaces arginine, which is basic and polar, with glutamine, which is neutral and polar, at codon 428 of the DCHS1 protein (p.Arg428Gln).

NM_003737.4(DCHS1):c.1283G>A (p.Arg428Gln)

Gene: DCHS1 (dachsous cadherin-related 1; minus strand). Cytogenetic location: 11p15.4.
Variant type: single nucleotide variant.
Coding change: c.1283G>A on transcript NM_003737.4 (MANE Select); coding-DNA position 1283, G replaced by A.
Protein change: p.Arg428Gln; replaces arginine 428 with glutamine.
Molecular consequence: missense variant.
Genome position (GRCh38, 1-based): chr11:6,640,331, C>T on the plus strand (G>A on the coding strand, the complement: DCHS1 is on the minus strand). VCF-style: chr11-6640331-C-T. GRCh37 (hg19) VCF-style: chr11-6661562-C-T.
Other names: c.1283G>A (NM_003737.2); short protein forms R428Q.
Identifiers: ClinVar variation 1979085 (VCV001979085.5), dbSNP rs1332520980, ClinGen allele CA379433478.